The following is an entry in ClinVar:

ClinVar aggregate classification (somatic clinical impact): Tier I - Strong (1 of 4 stars; one submission).

Conditions:
Diffuse glioma, H3 G34 mutant. Identifiers: MedGen CN377580, MONDO:0957197.

Submission:

Institute for Genomic Medicine (IGM) Clinical Laboratory, Nationwide Children's Hospital
Classification: Tier I - Strong for Diffuse glioma, H3 G34 mutant. Assertion type: diagnostic. Clinical significance: supports diagnosis. Last evaluated: 2024-05-30. Review status: criteria provided, single submitter. Criteria: AMP/ASCO/CAP Guidelines, 2017. Collection method: clinical testing. Allele origin: somatic. Affected: yes.
Comment: Variant has Tier I (strong) clinical significance as a diagnostic inclusion criterion in diffuse glioma, H3 G34 mutant, based on the following evidence: 1) Diagnostic for a specific tumor type/classification based on well-powered studies with expert-level consensus (Evidence Level B; PMIDs: 24705251, 25230881, 28966033, 29763623, 24705250, 33259802, 35195909).

Literature cited by the submitters: PubMed 24705251; PubMed 25230881; PubMed 28966033; PubMed 29763623; PubMed 24705250; PubMed 33259802; PubMed 35195909.

NM_006206.6(PDGFRA):c.1954G>A (p.Gly652Arg)

Gene: PDGFRA (platelet derived growth factor receptor alpha; plus strand). Cytogenetic location: 4q12.
Variant type: single nucleotide variant.
Coding change: c.1954G>A on transcript NM_006206.6 (MANE Select); coding-DNA position 1954, G replaced by A.
Protein change: p.Gly652Arg; replaces glycine 652 with arginine.
Molecular consequence: missense variant.
Genome position (GRCh38, 1-based): chr4:54,277,958, G>A. VCF-style: chr4-54277958-G-A. GRCh37 (hg19) VCF-style: chr4-55144125-G-A.
Other names: c.1954G>A, p.Gly652Arg (NM_001347827.2, NM_001347829.2); c.2029G>A, p.Gly677Arg (NM_001347828.2); c.1993G>A, p.Gly665Arg (NM_001347830.2); short protein forms G652R, G665R, G677R.
Identifiers: ClinVar variation 4530347 (VCV004530347.1).